The following is an entry in ClinVar:

NM_001005373.4(LRSAM1):c.1135_1136del (p.Ser379fs)

Gene: LRSAM1 (leucine rich repeat and sterile alpha motif containing 1; plus strand). Cytogenetic location: 9q33.3.
Variant type: Microsatellite.
Coding change: c.1135_1136del on transcript NM_001005373.4 (MANE Select); coding-DNA positions 1135 to 1136, 2 bases deleted (AG; older notation c.1135_1136delAG).
Protein change: p.Ser379fs; shifts the reading frame from serine 379.
Molecular consequence: frameshift variant. On other transcripts: non-coding transcript variant (2).
Genome position (GRCh38, 1-based): chr9:127,482,996-127,482,997, AG deleted; deleting any 2 consecutive bases within chr9:127,482,993-127,482,997 gives the same sequence; the c. name uses the placement nearest the transcript's 3' end. VCF-style (leftmost placement, unchanged base first): chr9-127482992-TGA-T. GRCh37 (hg19) VCF-style: chr9-130245271-TGA-T.
Other names: c.1135_1136del, p.Ser379fs (NM_001005374.4, NM_001190723.3, NM_001384142.1 and 2 more transcripts); c.346_347del, p.Ser116fs (NM_001384144.1); short protein forms S116fs, S379fs.
Identifiers: ClinVar variation 1445717 (VCV001445717.6), dbSNP rs2132073231, ClinGen allele CA2580616300.

ClinVar aggregate classification (germline): Pathogenic (1 of 4 stars; one submission).

Conditions:
Charcot-Marie-Tooth disease axonal type 2P. Also called: Charcot-Marie-Tooth Neuropathy Type 2G; CHARCOT-MARIE-TOOTH DISEASE, AXONAL, TYPE 2G; CMT 2G; CHARCOT-MARIE-TOOTH NEUROPATHY, TYPE 2P. Identifiers: Orphanet 300319, Orphanet 99941, MedGen C3280797, MONDO:0013753, OMIM 614436.

Submission:

Labcorp Genetics (formerly Invitae), Labcorp
Classification: Pathogenic for Charcot-Marie-Tooth disease axonal type 2P. Last evaluated: 2023-08-04. Review status: criteria provided, single submitter. Criteria: Invitae Variant Classification Sherloc (09022015). Collection method: clinical testing. Allele origin: germline.
Comment: For these reasons, this variant has been classified as Pathogenic. ClinVar contains an entry for this variant (Variation ID: 1445717). This variant has not been reported in the literature in individuals affected with LRSAM1-related conditions. This variant is not present in population databases (gnomAD no frequency). This sequence change creates a premature translational stop signal (p.Ser379Profs*5) in the LRSAM1 gene. It is expected to result in an absent or disrupted protein product. Loss-of-function variants in LRSAM1 are known to be pathogenic (PMID: 20865121, 33414056).

Literature cited by the submitters: PubMed 20865121; PubMed 33414056.